The following is an entry in ClinVar:

ClinVar aggregate classification (germline): Uncertain significance (1 of 4 stars; one submission).

gnomAD v4.1: 1 of 1,612,934 alleles (0.000062%); highest among the groups gnomAD compares: Non-Finnish European, 0.000085%; no homozygotes.

Submission:

Ambry Genetics
Classification: Uncertain significance. Last evaluated: 2025-08-12. Review status: criteria provided, single submitter. Criteria: Ambry Variant Classification Scheme 2023. Collection method: clinical testing. Allele origin: germline.
Comment: The p.P348S variant (also known as c.1042C>T), located in coding exon 1 of the CDK12 gene, results from a C to T substitution at nucleotide position 1042. The proline at codon 348 is replaced by serine, an amino acid with similar properties. This amino acid position is conserved. In addition, this alteration is predicted to be tolerated by in silico analysis. Based on the available evidence, the clinical significance of this variant remains unclear.

NM_016507.4(CDK12):c.1042C>T (p.Pro348Ser)

Gene: CDK12 (cyclin dependent kinase 12; plus strand). Cytogenetic location: 17q12.
Variant type: single nucleotide variant.
Coding change: c.1042C>T on transcript NM_016507.4 (MANE Select); coding-DNA position 1042, C replaced by T.
Protein change: p.Pro348Ser; replaces proline 348 with serine.
Molecular consequence: missense variant.
Genome position (GRCh38, 1-based): chr17:39,463,113, C>T. VCF-style: chr17-39463113-C-T. GRCh37 (hg19) VCF-style: chr17-37619366-C-T.
Other names: c.1042C>T, p.Pro348Ser (NM_015083.4); short protein forms P348S.
Identifiers: ClinVar variation 4224381 (VCV004224381.1).
Genomic context (GRCh38, chr17:39,463,113, plus strand): 5'-GGTCGAAGGCGGTCCAGCAGCCCTTTCCTGAGCAAGCGGTCTCTGAGTCGGAGTCCACTC[C>T]CCAGGTGAGCTATTTGTCTAACAGTCCTTCCTCATTTAGGGTGGGTTGCGAGGAATTGGC-3'
Protein context (NP_057591.2, residues 338-358): SKRSLSRSPL[Pro348Ser]SRKSMKSRSR